The following is an entry in ClinVar:

ClinVar aggregate classification (germline): Uncertain significance (1 of 4 stars; one submission).

Allele frequency attached by ClinVar (database versions not stated): ExAC 0.00001; gnomAD 0.00001; TOPMed 0.00003.
gnomAD v4.1: 35 of 1,588,064 alleles (0.0022%); highest among the groups gnomAD compares: Admixed American, 0.007%; no homozygotes.

Submission:

Labcorp Genetics (formerly Invitae), Labcorp
Classification: Uncertain significance. Last evaluated: 2022-06-12. Review status: criteria provided, single submitter. Criteria: Invitae Variant Classification Sherloc (09022015). Collection method: clinical testing. Allele origin: germline.
Comment: In summary, the available evidence is currently insufficient to determine the role of this variant in disease. Therefore, it has been classified as a Variant of Uncertain Significance. Algorithms developed to predict the effect of sequence changes on RNA splicing suggest that this variant may create or strengthen a splice site. Algorithms developed to predict the effect of missense changes on protein structure and function are either unavailable or do not agree on the potential impact of this missense change (SIFT: "Deleterious"; PolyPhen-2: "Benign"; Align-GVGD: "Class C0"). This variant has not been reported in the literature in individuals affected with REL-related conditions. This variant is present in population databases (rs753140617, gnomAD 0.006%). This sequence change replaces proline, which is neutral and non-polar, with leucine, which is neutral and non-polar, at codon 364 of the REL protein (p.Pro364Leu).

NM_001291746.2(REL):c.995C>T (p.Pro332Leu)

Gene: REL (REL proto-oncogene, NF-kB subunit; plus strand). Cytogenetic location: 2p16.1.
Variant type: single nucleotide variant.
Coding change: c.995C>T on transcript NM_001291746.2 (MANE Select); coding-DNA position 995, C replaced by T.
Protein change: p.Pro332Leu; replaces proline 332 with leucine.
Molecular consequence: missense variant.
Genome position (GRCh38, 1-based): chr2:60,921,766, C>T. VCF-style: chr2-60921766-C-T. GRCh37 (hg19) VCF-style: chr2-61148901-C-T.
Other names: c.1091C>T, p.Pro364Leu (NM_002908.4); short protein forms P332L, P364L.
Identifiers: ClinVar variation 2187485 (VCV002187485.3), dbSNP rs753140617, ClinGen allele CA1672407.